The following is an entry in ClinVar:

NM_001100.4(ACTA1):c.749T>C (p.Ile250Thr)

Gene: ACTA1 (actin alpha 1, skeletal muscle; minus strand). Cytogenetic location: 1q42.13.
Variant type: single nucleotide variant.
Coding change: c.749T>C on transcript NM_001100.4 (MANE Select); coding-DNA position 749, T replaced by C.
Protein change: p.Ile250Thr; replaces isoleucine 250 with threonine.
Molecular consequence: missense variant.
Genome position (GRCh38, 1-based): chr1:229,432,053, A>G on the plus strand (T>C on the coding strand, the complement: ACTA1 is on the minus strand). VCF-style: chr1-229432053-A-G. GRCh37 (hg19) VCF-style: chr1-229567800-A-G.
Other names: NM_001100.4(ACTA1):c.749T>C; p.Ile250Thr; short protein forms I250T.
Identifiers: ClinVar variation 1180752 (VCV001180752.8), dbSNP rs1659954399, ClinGen allele CA345146692.
Genomic context (GRCh38, chr1:229,432,053, plus strand): 5'-CCGATGAAGGAGGGCTGGAAGAGCGTCTCCGGGCAGCGGAAGCGCTCGTTGCCGATGGTG[A>G]TGACCTGCCCGTCTGGCAGCTCGTAGCTCTTTTCCAGGGAGGAGGAGGAGGCGGCCGTCG-3'
Protein context (NP_001091.1, residues 240-260): KSYELPDGQV[Ile250Thr]TIGNERFRCP

ClinVar aggregate classification (germline): Uncertain significance. Review status: reviewed by expert panel (3 of 4 stars). 3 submissions from 3 submitters: Uncertain significance (1). 2 of the submissions do not count toward it. Last evaluated 2026-05-11.

Conditions:
Actin accumulation myopathy (CMYO2A). Also called: CONGENITAL MYOPATHY 2A, TYPICAL, AUTOSOMAL DOMINANT; Myopathy, actin, congenital, with cores; Nemaline myopathy 3, with intranuclear rods; Nemaline myopathy type 3; Myopathy, actin, congenital, with excess of thin myofilaments. Identifiers: Orphanet 98904, MedGen C3711389, MONDO:0008070, OMIM 161800.
Alpha-actinopathy. Also called: Actinopathy. Identifiers: MedGen CN295279, MONDO:0100084.
Abnormality of the musculature. Identifiers: MedGen C4021745, HP:0003011.

Allele frequency attached by ClinVar (database versions not stated): TOPMed below 0.00001; gnomAD 0.00001; gnomAD exomes below 0.00001.

Submissions (3):

ClinGen Congenital Myopathies Variant Curation Expert Panel, ClinGen
Classification: Uncertain significance for Alpha-actinopathy. Last evaluated: 2026-05-11. Review status: reviewed by expert panel. Criteria: ClinGen CongenMyopathy ACMG Specifications ACTA1 AR V1.0.0. Collection method: curation. Allele origin: germline. Inheritance: Autosomal recessive inheritance.
Comment: The c.749T>C (NM_001100.4) variant in ACTA1 is a missense variant predicted to cause substitution of proline by threonine at amino acid 250 (p.Pro250Thr). The highest minor allele frequency in gnomAD v4.1.0 is 0.000001695 (2/1179748 alleles) in the European (non-Finnish) population (no homozygotes), which is below the VCEP threshold of 0.000005 for PM2_supporting, meeting this criterion (PM2_supporting). The computational predictor REVEL gives a score of 0.976, which is above the VCEP threshold of 0.7, evidence that correlates with impact to ACTA1 function (PP3). The sister, also homozygous for the variant, had a similar but higher-severity phenotype that progressed to fatal acute cardiac failure (PM3_supporting (0.5 PM3 points); DOI: 10.1016/j.nmd.2014.06.136). In summary, this variant meets the criteria to be classified as a variant of uncertain significance for autosomal recessive alpha-actinopathy based on the ACMG/AMP criteria applied, as specified by the ClinGen Congenital Myopathies VCEP: PM2_supporting, PP3, PM3_supporting (VCEP Specifications Version 1.0.0).

Labcorp Genetics (formerly Invitae), Labcorp
Classification: Uncertain significance for Actin accumulation myopathy. Last evaluated: 2022-08-10. Review status: criteria provided, single submitter. Criteria: Invitae Variant Classification Sherloc (09022015). Collection method: clinical testing. Allele origin: germline. Not counted in ClinVar's aggregate classification.
Comment: In summary, the available evidence is currently insufficient to determine the role of this variant in disease. Therefore, it has been classified as a Variant of Uncertain Significance. Advanced modeling of protein sequence and biophysical properties (such as structural, functional, and spatial information, amino acid conservation, physicochemical variation, residue mobility, and thermodynamic stability) performed at Invitae indicates that this missense variant is expected to disrupt ACTA1 protein function. ClinVar contains an entry for this variant (Variation ID: 1180752). This variant has not been reported in the literature in individuals affected with ACTA1-related conditions. This variant is not present in population databases (gnomAD no frequency). This sequence change replaces isoleucine, which is neutral and non-polar, with threonine, which is neutral and polar, at codon 250 of the ACTA1 protein (p.Ile250Thr).

Kariminejad - Najmabadi Pathology & Genetics Center
Classification: Likely pathogenic for Abnormality of the musculature. Last evaluated: 2021-07-10. Review status: criteria provided, single submitter. Criteria: ACMG Guidelines, 2015. Collection method: clinical testing. Allele origin: germline. Affected: yes. Not counted in ClinVar's aggregate classification.